The following is an entry in ClinVar:

NM_182916.3(TRNT1):c.724C>G (p.Leu242Val)

Gene: TRNT1 (tRNA nucleotidyl transferase 1; plus strand). Cytogenetic location: 3p26.2.
Variant type: single nucleotide variant.
Coding change: c.724C>G on transcript NM_182916.3 (MANE Select); coding-DNA position 724, C replaced by G.
Protein change: p.Leu242Val; replaces leucine 242 with valine.
Molecular consequence: missense variant. On other transcripts: non-coding transcript variant (6).
Genome position (GRCh38, 1-based): chr3:3,146,545, C>G. VCF-style: chr3-3146545-C-G. GRCh37 (hg19) VCF-style: chr3-3188229-C-G.
Other names: c.724C>G, p.Leu242Val (NM_001302946.2, NM_001367321.1, NM_001367322.1 and 1 more transcripts); short protein forms L242V.
Identifiers: ClinVar variation 1515734 (VCV001515734.5), dbSNP rs1022234414, ClinGen allele CA68734439.
Genomic context (GRCh38, chr3:3,146,545, plus strand): 5'-GCAATTGCAGAAAATGCAAAAGGCTTGGCTGGAATATCAGGAGAAAGGATTTGGGTGGAA[C>G]TGAAAAAAATTCTTGTTGGTAACCATGTAAATCATTTGATTCACCTTATCTATGATCTTG-3'
Protein context (NP_886552.3, residues 232-252): GISGERIWVE[Leu242Val]KKILVGNHVN

ClinVar aggregate classification (germline): Uncertain significance (1 of 4 stars; one submission).

Conditions:
Congenital sideroblastic anemia-B-cell immunodeficiency-periodic fever-developmental delay syndrome. Also called: Sideroblastic anemia with B-cell immunodeficiency, periodic fevers, and developmental delay. Identifiers: Orphanet 369861, MedGen C4015172, MONDO:0014487, OMIM 616084.

Allele frequency attached by ClinVar (database versions not stated): gnomAD exomes below 0.00001 and 0.00001; TOPMed below 0.00001.
gnomAD v4.1: 9 of 1,613,724 alleles (0.00056%); highest among the groups gnomAD compares: South Asian, 0.0011%; no homozygotes.

Submission:

Labcorp Genetics (formerly Invitae), Labcorp
Classification: Uncertain significance for Congenital sideroblastic anemia-B-cell immunodeficiency-periodic fever-developmental delay syndrome. Last evaluated: 2022-08-22. Review status: criteria provided, single submitter. Criteria: Invitae Variant Classification Sherloc (09022015). Collection method: clinical testing. Allele origin: germline.
Comment: This sequence change replaces leucine, which is neutral and non-polar, with valine, which is neutral and non-polar, at codon 242 of the TRNT1 protein (p.Leu242Val). This variant is present in population databases (no rsID available, gnomAD 0.0009%). This variant has not been reported in the literature in individuals affected with TRNT1-related conditions. ClinVar contains an entry for this variant (Variation ID: 1515734). Algorithms developed to predict the effect of missense changes on protein structure and function are either unavailable or do not agree on the potential impact of this missense change (SIFT: "Deleterious"; PolyPhen-2: "Benign"; Align-GVGD: "Class C0"). In summary, the available evidence is currently insufficient to determine the role of this variant in disease. Therefore, it has been classified as a Variant of Uncertain Significance.